The following is an entry in ClinVar:

NM_007294.4(BRCA1):c.3446C>T (p.Thr1149Ile)

Genes: BRCA1 (BRCA1 DNA repair associated; minus strand), LOC126862571 (BRD4-independent group 4 enhancer GRCh37_chr17:41243136-41244335; plus strand). Cytogenetic location: 17q21.31.
Variant type: single nucleotide variant.
Coding change: c.3446C>T on transcript NM_007294.4 (MANE Select); coding-DNA position 3446, C replaced by T.
Protein change: p.Thr1149Ile; replaces threonine 1149 with isoleucine.
Molecular consequence: missense variant. On other transcripts: intron variant (135).
Genome position (GRCh38, 1-based): chr17:43,092,085, G>A on the plus strand (C>T on the coding strand, the complement: BRCA1 is on the minus strand). VCF-style: chr17-43092085-G-A. GRCh37 (hg19) VCF-style: chr17-41244102-G-A.
Other names: c.3182C>T, p.Thr1061Ile (NM_001407920.1, NM_001407921.1, NM_001407922.1 and 9 more transcripts); c.3323C>T, p.Thr1108Ile (NM_001407669.1, NM_001407674.1, NM_001407675.1 and 19 more transcripts); c.3320C>T, p.Thr1107Ile (NM_001407670.1, NM_001407671.1, NM_001407672.1 and 11 more transcripts); c.3446C>T, p.Thr1149Ile (NM_001407684.1, NM_001407581.1, NM_001407582.1 and 30 more transcripts); c.3233C>T, p.Thr1078Ile (NM_001407571.1, NM_001407853.1, NM_001407894.1 and 9 more transcripts); c.3443C>T, p.Thr1148Ile (NM_001407587.1, NM_001407590.1, NM_001407591.1 and 22 more transcripts); c.3437C>T, p.Thr1146Ile (NM_001407646.1, NM_001407647.1); c.3368C>T, p.Thr1123Ile (NM_001407653.1, NM_001407654.1, NM_001407655.1 and 4 more transcripts); and 41 more; short protein forms T853I, T1022I, T1102I, T1107I, T281I, T1038I, T1060I, T1061I.
Identifiers: ClinVar variation 3992568 (VCV003992568.1).
Genomic context (GRCh38, chr17:43,092,085, plus strand): 5'-TCATTTTCAGCAAAACTAGTATCTTCCTTTATTTCACCATCATCTAACAGGTCATCAGGT[G>A]TCTCAGAACAAACCTGAGATGCATGACTACTTCCCATAGGCTGTTCTAAGTTATCTGAAA-3'
Protein context (NP_009225.1, residues 1139-1159): SSHASQVCSE[Thr1149Ile]PDDLLDDGEI

ClinVar aggregate classification (germline): Uncertain significance (1 of 4 stars; one submission).

Conditions:
Hereditary cancer-predisposing syndrome. Also called: Tumor predisposition; Hereditary neoplastic syndrome; Neoplastic Syndromes, Hereditary; Hereditary Cancer Syndrome. Identifiers: Orphanet 140162, MedGen C0027672, MeSH D009386, MONDO:0015356.

Submission:

Ambry Genetics
Classification: Uncertain significance for Hereditary cancer-predisposing syndrome. Last evaluated: 2025-04-21. Review status: criteria provided, single submitter. Criteria: Ambry Variant Classification Scheme 2023. Collection method: clinical testing. Allele origin: germline.
Comment: The p.T1149I variant (also known as c.3446C>T), located in coding exon 9 of the BRCA1 gene, results from a C to T substitution at nucleotide position 3446. The threonine at codon 1149 is replaced by isoleucine, an amino acid with similar properties. This amino acid position is highly conserved in available vertebrate species. In addition, this alteration is predicted to be deleterious by in silico analysis. Based on the available evidence, the clinical significance of this variant remains unclear.